The following is an entry in ClinVar:

ClinVar aggregate classification (germline): Uncertain significance (1 of 4 stars; one submission).

Submission:

GeneDx
Classification: Uncertain significance. Last evaluated: 2019-02-20. Review status: criteria provided, single submitter. Criteria: GeneDx Variant Classification Process June 2021. Collection method: clinical testing. Allele origin: germline. Affected: yes.
Comment: Not observed in large population cohorts (Lek et al., 2016); In silico analysis, which includes protein predictors and evolutionary conservation, supports a deleterious effect; Has not been previously published as pathogenic or benign to our knowledge

NM_001077418.3(TMEM231):c.371T>G (p.Leu124Arg)

Gene: TMEM231 (transmembrane protein 231; minus strand). Cytogenetic location: 16q23.1.
Variant type: single nucleotide variant.
Coding change: c.371T>G on transcript NM_001077418.3 (MANE Select); coding-DNA position 371, T replaced by G.
Protein change: p.Leu124Arg; replaces leucine 124 with arginine.
Molecular consequence: missense variant. On other transcripts: non-coding transcript variant (1).
Genome position (GRCh38, 1-based): chr16:75,545,893, A>C on the plus strand (T>G on the coding strand, the complement: TMEM231 is on the minus strand). VCF-style: chr16-75545893-A-C. GRCh37 (hg19) VCF-style: chr16-75579791-A-C.
Other names: c.530T>G, p.Leu177Arg (NM_001077416.2); short protein forms L124R, L177R.
Identifiers: ClinVar variation 1306251 (VCV001306251.2), dbSNP rs2151703083, ClinGen allele CA396807048.